The following is an entry in ClinVar:

ClinVar aggregate classification (germline): Uncertain significance (1 of 4 stars; one submission).

Conditions:
Aortic valve disease 2 (AOVD2). Identifiers: MedGen C3542024, MONDO:0013902, OMIM 614823.

gnomAD v4.1: 1 of 1,227,248 alleles (0.000081%); highest among the groups gnomAD compares: Non-Finnish European, 0.0001%; no homozygotes.

Submission:

Labcorp Genetics (formerly Invitae), Labcorp
Classification: Uncertain significance for Aortic valve disease 2. Last evaluated: 2026-01-07. Review status: criteria provided, single submitter. Criteria: Invitae Variant Classification Sherloc (09022015). Collection method: clinical testing. Allele origin: germline.
Comment: This sequence change replaces glycine, which is neutral and non-polar, with arginine, which is basic and polar, at codon 111 of the SMAD6 protein (p.Gly111Arg). This variant is not present in population databases (gnomAD no frequency). This variant has not been reported in the literature in individuals affected with SMAD6-related conditions. ClinVar contains an entry for this variant (Variation ID: 3651619). An algorithm developed to predict the effect of missense changes on protein structure and function (PolyPhen-2) suggests that this variant is likely to be tolerated. In summary, the available evidence is currently insufficient to determine the role of this variant in disease. Therefore, it has been classified as a Variant of Uncertain Significance.

NM_005585.5(SMAD6):c.331G>C (p.Gly111Arg)

Gene: SMAD6 (SMAD family member 6; plus strand). Cytogenetic location: 15q22.31.
Variant type: single nucleotide variant.
Coding change: c.331G>C on transcript NM_005585.5 (MANE Select); coding-DNA position 331, G replaced by C.
Protein change: p.Gly111Arg; replaces glycine 111 with arginine.
Molecular consequence: missense variant. On other transcripts: non-coding transcript variant (1).
Genome position (GRCh38, 1-based): chr15:66,703,589, G>C. VCF-style: chr15-66703589-G-C. GRCh37 (hg19) VCF-style: chr15-66995927-G-C.
Other names: short protein forms G111R.
Identifiers: ClinVar variation 3651619 (VCV003651619.2).